The following is an entry in ClinVar:

NM_004462.5(FDFT1):c.477T>C (p.Asp159=)

Gene: FDFT1 (farnesyl-diphosphate farnesyltransferase 1). Cytogenetic location: 8p23.1.
Variant type: single nucleotide variant.
Coding change: c.477T>C on transcript NM_004462.5 (MANE Select); coding-DNA position 477, T replaced by C.
Protein change: p.Asp159=; no amino-acid change (aspartic acid 159 retained).
Molecular consequence: synonymous variant. On other transcripts: intron variant (1).
Genome position (GRCh38, 1-based): chr8:11,821,845, T>C. VCF-style: chr8-11821845-T-C. GRCh37 (hg19) VCF-style: chr8-11679354-T-C.
Other names: c.477T>C, p.Asp159= (NM_001287742.2, NM_001287743.2); c.285T>C, p.Asp95= (NM_001287744.2, NM_001287745.2, NM_001287747.2 and 2 more transcripts); c.654T>C, p.Asp218= (NM_001287750.2); c.222T>C, p.Asp74= (NM_001287751.2); c.65-4234T>C (NM_001287756.2).
Identifiers: ClinVar variation 3351717 (VCV003351717.1).

ClinVar aggregate classification (germline): Likely benign (0 of 4 stars; one submission).

Conditions:
FDFT1-related disorder. Also called: FDFT1-related condition.

gnomAD v4.1: 10 of 1,613,370 alleles (0.00062%); highest among the groups gnomAD compares: South Asian, 0.0044%; no homozygotes.

Submission:

PreventionGenetics, part of Exact Sciences
Classification: Likely benign for FDFT1-related condition. Last evaluated: 2024-08-19. Review status: no assertion criteria provided. Collection method: clinical testing. Allele origin: germline.
Comment: This variant is classified as likely benign based on ACMG/AMP sequence variant interpretation guidelines (Richards et al. 2015 PMID: 25741868, with internal and published modifications).